The following is an entry in ClinVar:

NM_015089.4(CUL9):c.4383G>A (p.Ser1461=)

Gene: CUL9 (cullin 9; plus strand). Cytogenetic location: 6p21.1.
Variant type: single nucleotide variant.
Coding change: c.4383G>A on transcript NM_015089.4 (MANE Select); coding-DNA position 4383, G replaced by A.
Protein change: p.Ser1461=; no amino-acid change (serine 1461 retained).
Molecular consequence: synonymous variant.
Genome position (GRCh38, 1-based): chr6:43,204,791, G>A. VCF-style: chr6-43204791-G-A. GRCh37 (hg19) VCF-style: chr6-43172529-G-A.
Identifiers: ClinVar variation 3041977 (VCV003041977.2), dbSNP rs45496798, ClinGen allele CA3818123.

ClinVar aggregate classification (germline): Benign (0 of 4 stars; one submission).

Conditions:
CUL9-related disorder. Also called: CUL9-related condition.

Allele frequency attached by ClinVar (database versions not stated): 1000 Genomes Project 30x 0.00687; 1000 Genomes Project 0.00759; TOPMed 0.00944; gnomAD 0.01090; ESP Exome Variant Server 0.01161; ExAC 0.01292.
gnomAD v4.1: 22,971 of 1,614,172 alleles (1.4%); highest among the groups gnomAD compares: Non-Finnish European, 1.6%; 192 homozygotes.

Submission:

PreventionGenetics, part of Exact Sciences
Classification: Benign for CUL9-related condition. Last evaluated: 2019-02-28. Review status: no assertion criteria provided. Collection method: clinical testing. Allele origin: germline.
Comment: This variant is classified as benign based on ACMG/AMP sequence variant interpretation guidelines (Richards et al. 2015 PMID: 25741868, with internal and published modifications).